The following is an entry in ClinVar:

ClinVar aggregate classification (germline): Likely benign (1 of 4 stars; one submission).

Conditions:
DSPP-related disorder. Also called: DSPP-related condition.

gnomAD v4.1: 44 of 1,614,206 alleles (0.0027%); highest among the groups gnomAD compares: East Asian, 0.094%; no homozygotes.

Submission:

PreventionGenetics, part of Exact Sciences
Classification: Likely benign for DSPP-related condition. Last evaluated: 2024-11-18. Review status: criteria provided, single submitter. Criteria: ACMG Guidelines, 2015. Collection method: clinical testing. Allele origin: germline.
Comment: This variant is classified as likely benign based on ACMG/AMP sequence variant interpretation guidelines (Richards et al. 2015 PMID: 25741868, with internal and published modifications).

NM_014208.3(DSPP):c.1342G>A (p.Asp448Asn)

Genes: DMP1-AS1 (DMP1 and DSPP antisense RNA 1; minus strand), DSPP (dentin sialophosphoprotein; plus strand). Cytogenetic location: 4q22.1.
Variant type: single nucleotide variant.
Coding change: c.1342G>A on transcript NM_014208.3 (MANE Select); coding-DNA position 1342, G replaced by A.
Protein change: p.Asp448Asn; replaces aspartic acid 448 with asparagine.
Molecular consequence: missense variant.
Genome position (GRCh38, 1-based): chr4:87,614,004, G>A. VCF-style: chr4-87614004-G-A. GRCh37 (hg19) VCF-style: chr4-88535156-G-A.
Other names: short protein forms D448N.
Identifiers: ClinVar variation 4985566 (VCV004985566.1).